The following is an entry in ClinVar:

NM_000260.4(MYO7A):c.2532_2548del (p.Gln844fs)

Gene: MYO7A (myosin VIIA; plus strand). Cytogenetic location: 11q13.5.
Variant type: Deletion.
Coding change: c.2532_2548del on transcript NM_000260.4 (MANE Select); coding-DNA positions 2532 to 2548, 17 bases deleted (GGCCTATGCCCGGGGCA).
Protein change: p.Gln844fs; shifts the reading frame from glutamine 844.
Molecular consequence: frameshift variant.
Genome position (GRCh38, 1-based): chr11:77,179,899-77,179,915, GGCCTATGCCCGGGGCA deleted; deleting any 17 consecutive bases within chr11:77,179,896-77,179,915 gives the same sequence; the c. name uses the placement nearest the transcript's 3' end. VCF-style (leftmost placement, unchanged base first): chr11-77179895-TGCAGGCCTATGCCCGGG-T. GRCh37 (hg19) VCF-style: chr11-76890941-TGCAGGCCTATGCCCGGG-T.
Other names: c.2532_2548del, p.Gln844fs (NM_001127180.2); c.2499_2515del, p.Gln833fs (NM_001369365.1); short protein forms Q833fs, Q844fs.
Identifiers: ClinVar variation 3601465 (VCV003601465.1).
Genomic context (GRCh38, chr11:77,179,895, plus strand): 5'-GCTGCCGCGCCTATCTGGTGCGCAAGGCCTTCCGCCACCGCCTCTGGGCTGTGCTCACCG[TGCAGGCCTATGCCCGGG>T]GCATGATCGCCCGCAGGCTGCACCAACGCCTCAGGGCTGAGGTGAGGGAGCAAGTCCATA-3'

ClinVar aggregate classification (germline): Pathogenic (1 of 4 stars; one submission).

Conditions:
Autosomal recessive nonsyndromic hearing loss 2. Also called: NEUROSENSORY NONSYNDROMIC RECESSIVE DEAFNESS 2; DEAFNESS, AUTOSOMAL RECESSIVE 2. Identifiers: Orphanet 90636, MedGen C1838701, MONDO:0010807, OMIM 600060.

Submission:

Institute of Rare Diseases, West China Hospital, Sichuan University
Classification: Pathogenic for Autosomal recessive nonsyndromic hearing loss 2. Last evaluated: 2025-01-09. Review status: criteria provided, single submitter. Criteria: ClinGen HL ACMG Specifications v1. Collection method: research. Allele origin: germline. Affected: yes.
Comment: PVS1;PM3_Supporting;PM2_Supporting